The following is an entry in ClinVar:

NM_000212.3(ITGB3):c.191G>A (p.Cys64Tyr)

Gene: ITGB3 (integrin subunit beta 3; plus strand). Cytogenetic location: 17q21.32.
Variant type: single nucleotide variant.
Coding change: c.191G>A on transcript NM_000212.3 (MANE Select); coding-DNA position 191, G replaced by A.
Protein change: p.Cys64Tyr; replaces cysteine 64 with tyrosine.
Molecular consequence: missense variant.
Genome position (GRCh38, 1-based): chr17:47,283,379, G>A. VCF-style: chr17-47283379-G-A. GRCh37 (hg19) VCF-style: chr17-45360745-G-A.
Other names: short protein forms C64Y.
Identifiers: ClinVar variation 1210201 (VCV001210201.2), dbSNP rs74554539, ClinGen allele CA291224490.
Genomic context (GRCh38, chr17:47,283,379, plus strand): 5'-ATTGCTGGACTTCTCTTTGGGCTCCTGTCTTACAGGCCCTGCCTCTGGGCTCACCTCGCT[G>A]TGACCTGAAGGAGAATCTGCTGAAGGATAACTGTGCCCCAGAATCCATCGAGTTCCCAGT-3'
Protein context (NP_000203.2, residues 54-74): DEALPLGSPR[Cys64Tyr]DLKENLLKDN

ClinVar aggregate classification (germline): Uncertain significance (3 of 4 stars; one submission).

Conditions:
Glanzmann thrombasthenia. Also called: BLEEDING DISORDER, PLATELET-TYPE, 2; THROMBASTHENIA OF GLANZMANN AND NAEGELI; PLATELET GLYCOPROTEIN IIb-IIIa DEFICIENCY; Thrombasthenia; Glanzmann's thrombasthenia. Identifiers: Orphanet 849, MedGen C0040015, MONDO:0100326.

Submission:

ClinGen Platelet Disorders Variant Curation Expert Panel, ClinGen
Classification: Uncertain significance for Glanzmann thrombasthenia. Last evaluated: 2024-08-20. Review status: reviewed by expert panel. Criteria: ClinGen Platelet ACMG Specifications v2-1. Collection method: curation. Allele origin: germline. Inheritance: Autosomal recessive inheritance.
Comment: The ITGB3 missense variant NM_000212.3:c.191G>A replaces the cysteine residue with a tyrosine residue (p.Cys64Tyr). This variant has been observed in heterozygosity in an individual suspected to have Glanzmann's thrombasthenia (GT) (CabGT-21 in PMID: 20020534), however sufficient information to confirm if the individual's phenotype is specific for GT was not provided and a second ITGB3 variant was not identified. The functional impact has been assessed by flow cytometric detection of αIIb, β3, and αIIbβ3 positive cells following transient transfection of ITGB3 cDNA carrying this variant, showing a reduction in the number of positive cells (estimated to be ~7-15% compared to wild type; PMID: 20020534; PS3_supporting). The variant is also absent from control population databases including gnomADv4.1.0 (PM2_supporting) and predicted by in silico tools to be damaging to protein function (REVEL score for this variant is 0.981; PP3). In summary, this variant is of uncertain significance and lacks sufficient evidence to be classified as pathogenic or benign for GT. GT-specific criteria applied: PS3_supporting, PM2_supporting, PP3.

Literature cited by the submitters: PubMed 20020534.